The following is an entry in ClinVar:

ClinVar aggregate classification (germline): Uncertain significance (1 of 4 stars; one submission).

Conditions:
Zellweger spectrum disorders (ZS). Also called: Zellweger Spectrum Disorder; Zellweger Spectrum; Zellweger syndrome; Zellweger Spectrum Disorder (ZSD). Identifiers: Orphanet 912, MedGen C0043459, MONDO:0019609.

Submission:

Labcorp Genetics (formerly Invitae), Labcorp
Classification: Uncertain significance for Zellweger spectrum disorders. Last evaluated: 2025-11-03. Review status: criteria provided, single submitter. Criteria: Invitae Variant Classification Sherloc (09022015). Collection method: clinical testing. Allele origin: germline.
Comment: This sequence change replaces lysine, which is basic and polar, with glutamine, which is neutral and polar, at codon 497 of the PEX1 protein (p.Lys497Gln). This variant is not present in population databases (gnomAD no frequency). This variant has not been reported in the literature in individuals affected with PEX1-related conditions. ClinVar contains an entry for this variant (Variation ID: 2011657). Invitae Evidence Modeling of protein sequence and biophysical properties (such as structural, functional, and spatial information, amino acid conservation, physicochemical variation, residue mobility, and thermodynamic stability) indicates that this missense variant is not expected to disrupt PEX1 protein function with a negative predictive value of 95%. In summary, the available evidence is currently insufficient to determine the role of this variant in disease. Therefore, it has been classified as a Variant of Uncertain Significance.

NM_000466.3(PEX1):c.1489A>C (p.Lys497Gln)

Gene: PEX1 (peroxisomal biogenesis factor 1; minus strand). Cytogenetic location: 7q21.2.
Variant type: single nucleotide variant.
Coding change: c.1489A>C on transcript NM_000466.3 (MANE Select); coding-DNA position 1489, A replaced by C.
Protein change: p.Lys497Gln; replaces lysine 497 with glutamine.
Molecular consequence: missense variant.
Genome position (GRCh38, 1-based): chr7:92,511,042, T>G on the plus strand (A>C on the coding strand, the complement: PEX1 is on the minus strand). VCF-style: chr7-92511042-T-G. GRCh37 (hg19) VCF-style: chr7-92140356-T-G.
Other names: c.1489A>C, p.Lys497Gln (NM_001282677.2); c.865A>C, p.Lys289Gln (NM_001282678.2); short protein forms K289Q, K497Q.
Identifiers: ClinVar variation 2011657 (VCV002011657.2), dbSNP rs2484685969, ClinGen allele CA368190416.